The following is an entry in ClinVar:

ClinVar aggregate classification (germline): Uncertain significance (1 of 4 stars; one submission).

Allele frequency attached by ClinVar (database versions not stated): TOPMed below 0.00001.
gnomAD v4.1: 2 of 1,613,436 alleles (0.00012%); highest among the groups gnomAD compares: Non-Finnish European, 0.00017%; no homozygotes.

Submission:

Labcorp Genetics (formerly Invitae), Labcorp
Classification: Uncertain significance. Last evaluated: 2024-10-29. Review status: criteria provided, single submitter. Criteria: Invitae Variant Classification Sherloc (09022015). Collection method: clinical testing. Allele origin: germline.
Comment: This sequence change replaces leucine, which is neutral and non-polar, with valine, which is neutral and non-polar, at codon 2078 of the ADGRV1 protein (p.Leu2078Val). This variant is not present in population databases (gnomAD no frequency). This variant has not been reported in the literature in individuals affected with ADGRV1-related conditions. ClinVar contains an entry for this variant (Variation ID: 1016734). Invitae Evidence Modeling of protein sequence and biophysical properties (such as structural, functional, and spatial information, amino acid conservation, physicochemical variation, residue mobility, and thermodynamic stability) indicates that this missense variant is not expected to disrupt ADGRV1 protein function with a negative predictive value of 95%. In summary, the available evidence is currently insufficient to determine the role of this variant in disease. Therefore, it has been classified as a Variant of Uncertain Significance.

NM_032119.4(ADGRV1):c.6232C>G (p.Leu2078Val)

Gene: ADGRV1 (adhesion G protein-coupled receptor V1; plus strand). Cytogenetic location: 5q14.3.
Variant type: single nucleotide variant.
Coding change: c.6232C>G on transcript NM_032119.4 (MANE Select); coding-DNA position 6232, C replaced by G.
Protein change: p.Leu2078Val; replaces leucine 2078 with valine.
Molecular consequence: missense variant. On other transcripts: non-coding transcript variant (1).
Genome position (GRCh38, 1-based): chr5:90,684,153, C>G. VCF-style: chr5-90684153-C-G. GRCh37 (hg19) VCF-style: chr5-89979970-C-G.
Other names: short protein forms L2078V.
Identifiers: ClinVar variation 1016734 (VCV001016734.10), dbSNP rs1236671098, ClinGen allele CA360414417.
Genomic context (GRCh38, chr5:90,684,153, plus strand): 5'-ATAGCTATTTCAATTTTGGATGATGATGAGCCAGAAAGGTCCGAATCTGTCTTTATCGAA[C>G]TACTCAACTCTACTTTAGTAGCGAAAGTACAGAGTCGTTCAAGTAAGTATCCCTTAGTGT-3'
Protein context (NP_115495.3, residues 2068-2088): PERSESVFIE[Leu2078Val]LNSTLVAKVQ